The following is an entry in ClinVar:

ClinVar aggregate classification (germline): Uncertain significance (1 of 4 stars; one submission).

gnomAD v4.1: 9 of 1,613,224 alleles (0.00056%); highest among the groups gnomAD compares: Non-Finnish European, 0.00076%; no homozygotes.

Submission:

Labcorp Genetics (formerly Invitae), Labcorp
Classification: Uncertain significance. Last evaluated: 2024-12-15. Review status: criteria provided, single submitter. Criteria: Invitae Variant Classification Sherloc (09022015). Collection method: clinical testing. Allele origin: germline.
Comment: This sequence change replaces valine, which is neutral and non-polar, with isoleucine, which is neutral and non-polar, at codon 673 of the ERBB4 protein (p.Val673Ile). This variant is present in population databases (rs745465497, gnomAD 0.005%). This variant has not been reported in the literature in individuals affected with ERBB4-related conditions. Invitae Evidence Modeling of protein sequence and biophysical properties (such as structural, functional, and spatial information, amino acid conservation, physicochemical variation, residue mobility, and thermodynamic stability) indicates that this missense variant is not expected to disrupt ERBB4 protein function with a negative predictive value of 80%. Experimental studies have shown that this missense change affects ERBB4 function (PMID: 15534001, 15746097, 24791013). In summary, the available evidence is currently insufficient to determine the role of this variant in disease. Therefore, it has been classified as a Variant of Uncertain Significance.

Literature cited by the submitters: PubMed 15534001; PubMed 15746097; PubMed 24791013.

NM_005235.3(ERBB4):c.2017G>A (p.Val673Ile)

Gene: ERBB4 (erb-b2 receptor tyrosine kinase 4; minus strand). Cytogenetic location: 2q34.
Variant type: single nucleotide variant.
Coding change: c.2017G>A on transcript NM_005235.3 (MANE Select); coding-DNA position 2017, G replaced by A.
Protein change: p.Val673Ile; replaces valine 673 with isoleucine.
Molecular consequence: missense variant.
Genome position (GRCh38, 1-based): chr2:211,630,524, C>T on the plus strand (G>A on the coding strand, the complement: ERBB4 is on the minus strand). VCF-style: chr2-211630524-C-T. GRCh37 (hg19) VCF-style: chr2-212495249-C-T.
Other names: c.2017G>A, p.Val673Ile (NM_001042599.2); short protein forms V673I.
Identifiers: ClinVar variation 3629251 (VCV003629251.2).
Genomic context (GRCh38, chr2:211,630,524, plus strand): 5'-CTGTTTCCAAGAATCTTCTCAAGGCTCTTTTCTTTTTGATGCTCTTCCTTCTAACATAAA[C>T]AGCAAATGTCAGACCCACAATGACCAGAATGAAGAGCCCACCAATTACTCCAGCTGCAAT-3'
Protein context (NP_005226.1, residues 663-683): ILVIVGLTFA[Val673Ile]YVRRKSIKKK